The following is an entry in ClinVar:

ClinVar aggregate classification (germline): Uncertain significance (1 of 4 stars; one submission).

Conditions:
Familial thoracic aortic aneurysm and aortic dissection (TAAD). Also called: Thoracic aortic aneurysms and dissections. Identifiers: Orphanet 91387, MedGen C4707243, MONDO:0019625.

Allele frequency attached by ClinVar (database versions not stated): gnomAD exomes below 0.00001; ExAC 0.00001.
gnomAD v4.1: 2 of 1,612,930 alleles (0.00012%); highest among the groups gnomAD compares: Non-Finnish European, 0.00017%; no homozygotes.

Submission:

Color Diagnostics, LLC DBA Color Health
Classification: Uncertain significance for Familial thoracic aortic aneurysm and aortic dissection. Last evaluated: 2024-03-06. Review status: criteria provided, single submitter. Criteria: ACMG Guidelines, 2015. Collection method: clinical testing. Allele origin: germline.
Comment: This missense variant replaces lysine with glutamic acid at codon 369 of the MYH11 protein. Computational prediction suggests that this variant may have deleterious impact on protein structure and function (internally defined REVEL score threshold >= 0.7, PMID: 27666373). To our knowledge, functional studies have not been reported for this variant. This variant has not been reported in individuals affected with cardiovascular disorders in the literature. This variant has been identified in 1/251328 chromosomes in the general population by the Genome Aggregation Database (gnomAD). The available evidence is insufficient to determine the role of this variant in disease conclusively. Therefore, this variant is classified as a Variant of Uncertain Significance.

NM_002474.3(MYH11):c.1084A>G (p.Lys362Glu)

Gene: MYH11 (myosin heavy chain 11; minus strand). Cytogenetic location: 16p13.11.
Variant type: single nucleotide variant.
Coding change: c.1084A>G on transcript NM_002474.3 (MANE Select); coding-DNA position 1084, A replaced by G.
Protein change: p.Lys362Glu; replaces lysine 362 with glutamic acid.
Molecular consequence: missense variant.
Genome position (GRCh38, 1-based): chr16:15,763,841, T>C on the plus strand (A>G on the coding strand, the complement: MYH11 is on the minus strand). VCF-style: chr16-15763841-T-C. GRCh37 (hg19) VCF-style: chr16-15857698-T-C.
Other names: c.1105A>G, p.Lys369Glu (NM_001040113.2, NM_001040114.2); c.1084A>G, p.Lys362Glu (NM_022844.3); short protein forms K362E, K369E.
Identifiers: ClinVar variation 1171189 (VCV001171189.3), dbSNP rs770277568, ClinGen allele CA7922731.
Genomic context (GRCh38, chr16:15,763,841, plus strand): 5'-AAAAGTGGCAAGTACCTGTGTTATCTGGCATGGACGCCTGGTCTGTGTTTCTTTCCTTCT[T>C]GAAGACGATATTTCCAAGCTGCAGGACCGATGATACCACCTTCAATATGGCTGAGGTGGG-3'
Protein context (NP_002465.1, residues 352-372): SVLQLGNIVF[Lys362Glu]KERNTDQASM